The following is an entry in ClinVar:

NM_000336.3(SCNN1B):c.235G>T (p.Val79Phe)

Gene: SCNN1B (sodium channel epithelial 1 subunit beta; plus strand). Cytogenetic location: 16p12.2.
Variant type: single nucleotide variant.
Coding change: c.235G>T on transcript NM_000336.3 (MANE Select); coding-DNA position 235, G replaced by T.
Protein change: p.Val79Phe; replaces valine 79 with phenylalanine.
Molecular consequence: missense variant.
Genome position (GRCh38, 1-based): chr16:23,348,834, G>T. VCF-style: chr16-23348834-G-T. GRCh37 (hg19) VCF-style: chr16-23360155-G-T.
Other names: c.235G>T, p.Val79Phe (NM_001410900.1); short protein forms V79F.
Identifiers: ClinVar variation 4839773 (VCV004839773.1).

ClinVar aggregate classification (germline): Uncertain significance (1 of 4 stars; one submission).

Conditions:
Inborn genetic diseases. Identifiers: MedGen C0950123, MeSH D030342.

gnomAD v4.1: 10 of 1,614,028 alleles (0.00062%); highest among the groups gnomAD compares: Non-Finnish European, 0.00076%; no homozygotes.

Submission:

Ambry Genetics
Classification: Uncertain significance for Inborn genetic diseases. Last evaluated: 2026-01-26. Review status: criteria provided, single submitter. Criteria: Ambry Variant Classification Scheme 2023. Collection method: clinical testing. Allele origin: germline.
Comment: The c.235G>T (p.V79F) alteration is located in exon 2 (coding exon 1) of the SCNN1B gene. This alteration results from a G to T substitution at nucleotide position 235, causing the valine (V) at amino acid position 79 to be replaced by a phenylalanine (F). Based on data from gnomAD, the T allele has an overall frequency of <0.001% (1/250990) total alleles studied. The highest observed frequency was 0.001% (1/113278) of European (non-Finnish) alleles. Based on insufficient or conflicting evidence, the clinical significance of this alteration remains unclear.